The following is an entry in ClinVar:

NM_000268.4(NF2):c.823C>T (p.Pro275Ser)

Gene: NF2 (NF2, moesin-ezrin-radixin like (MERLIN) tumor suppressor; plus strand). Cytogenetic location: 22q12.2.
Variant type: single nucleotide variant.
Coding change: c.823C>T on transcript NM_000268.4 (MANE Select); coding-DNA position 823, C replaced by T.
Protein change: p.Pro275Ser; replaces proline 275 with serine.
Molecular consequence: missense variant. On other transcripts: intron variant (1), non-coding transcript variant (1).
Genome position (GRCh38, 1-based): chr22:29,665,002, C>T. VCF-style: chr22-29665002-C-T. GRCh37 (hg19) VCF-style: chr22-30060991-C-T.
Other names: c.447+22717C>T (NM_181833.3); c.709C>T, p.Pro237Ser (NM_001407053.1, NM_001407056.1); c.700C>T, p.Pro234Ser (NM_001407054.1, NM_001407058.1, NM_181829.3); c.697C>T, p.Pro233Ser (NM_001407055.1, NM_181828.3); c.688C>T, p.Pro230Ser (NM_001407057.1, NM_001407059.1); c.823C>T, p.Pro275Ser (NM_001407060.1, NM_001407066.1, NM_016418.5 and 2 more transcripts); c.565C>T, p.Pro189Ser (NM_001407062.1); c.574C>T, p.Pro192Ser (NM_001407063.1, NM_001407064.1, NM_181830.3 and 1 more transcripts); and 2 more; short protein forms P192S, P189S, P198S, P234S, P237S, P230S, P275S, P233S.
Identifiers: ClinVar variation 4119220 (VCV004119220.1).

ClinVar aggregate classification (germline): Uncertain significance (1 of 4 stars; one submission).

Conditions:
Hereditary cancer-predisposing syndrome. Also called: Hereditary neoplastic syndrome; Neoplastic Syndromes, Hereditary; Tumor predisposition; Hereditary Cancer Syndrome. Identifiers: Orphanet 140162, MedGen C0027672, MeSH D009386, MONDO:0015356.

gnomAD v4.1: 1 of 1,611,530 alleles (0.000062%); highest among the groups gnomAD compares: Non-Finnish European, 0.000085%; no homozygotes.

Submission:

Ambry Genetics
Classification: Uncertain significance for Hereditary cancer-predisposing syndrome. Last evaluated: 2025-08-20. Review status: criteria provided, single submitter. Criteria: Ambry Variant Classification Scheme 2023. Collection method: clinical testing. Allele origin: germline.
Comment: The p.P275S variant (also known as c.823C>T), located in coding exon 9 of the NF2 gene, results from a C to T substitution at nucleotide position 823. The proline at codon 275 is replaced by serine, an amino acid with similar properties. This amino acid position is conserved. In addition, the in silico prediction for this alteration is inconclusive. Based on the available evidence, the clinical significance of this variant remains unclear.